The following is an entry in ClinVar:

ClinVar aggregate classification (germline): Uncertain significance (1 of 4 stars; one submission).

Conditions:
Regional enteritis. Also called: Enteritis, Granulomatous. Identifiers: MedGen C0678202, MeSH D003424.
Blau syndrome (BLAUS). Also called: GRANULOMATOSIS, FAMILIAL JUVENILE SYSTEMIC; GRANULOMATOSIS, FAMILIAL, BLAU TYPE; GRANULOMATOUS INFLAMMATORY ARTHRITIS, DERMATITIS, AND UVEITIS, FAMILIAL; JABS SYNDROME; ARTHROCUTANEOUVEAL GRANULOMATOSIS. Identifiers: Orphanet 90340, MedGen C5201146, MONDO:0008523, OMIM 186580.

Allele frequency attached by ClinVar (database versions not stated): gnomAD exomes below 0.00001.
gnomAD v4.1: 4 of 1,613,976 alleles (0.00025%); highest among the groups gnomAD compares: African/African-American, 0.004%; no homozygotes.

Submission:

Labcorp Genetics (formerly Invitae), Labcorp
Classification: Uncertain significance for Regional enteritis; Blau syndrome. Last evaluated: 2022-10-17. Review status: criteria provided, single submitter. Criteria: Invitae Variant Classification Sherloc (09022015). Collection method: clinical testing. Allele origin: germline.
Comment: In summary, the available evidence is currently insufficient to determine the role of this variant in disease. Therefore, it has been classified as a Variant of Uncertain Significance. Advanced modeling of protein sequence and biophysical properties (such as structural, functional, and spatial information, amino acid conservation, physicochemical variation, residue mobility, and thermodynamic stability) performed at Invitae indicates that this missense variant is not expected to disrupt NOD2 protein function. This variant has not been reported in the literature in individuals affected with NOD2-related conditions. This variant is not present in population databases (gnomAD no frequency). This sequence change replaces alanine, which is neutral and non-polar, with glycine, which is neutral and non-polar, at codon 783 of the NOD2 protein (p.Ala783Gly).

NM_001370466.1(NOD2):c.2267C>G (p.Ala756Gly)

Gene: NOD2 (nucleotide binding oligomerization domain containing 2; plus strand). Cytogenetic location: 16q12.1.
Variant type: single nucleotide variant.
Coding change: c.2267C>G on transcript NM_001370466.1 (MANE Select); coding-DNA position 2267, C replaced by G.
Protein change: p.Ala756Gly; replaces alanine 756 with glycine.
Molecular consequence: missense variant. On other transcripts: non-coding transcript variant (1).
Genome position (GRCh38, 1-based): chr16:50,712,259, C>G. VCF-style: chr16-50712259-C-G. GRCh37 (hg19) VCF-style: chr16-50746170-C-G.
Other names: c.2267C>G, p.Ala756Gly (NM_001293557.2); c.2348C>G, p.Ala783Gly (NM_022162.3); short protein forms A783G, A756G.
Identifiers: ClinVar variation 2185394 (VCV002185394.4), dbSNP rs1019685184, ClinGen allele CA395871931.
Genomic context (GRCh38, chr16:50,712,259, plus strand): 5'-ATGTTGGGCACCTCAAGTTGACATTTTGCAGTGTGGGCCCCACTGAGTGTGCTGCCCTGG[C>G]CTTTGTGCTGCAGCACCTCCGGCGGCCCGTGGCCCTGCAGCTGGACTACAACTCTGTGGG-3'
Protein context (NP_001357395.1, residues 746-766): SVGPTECAAL[Ala756Gly]FVLQHLRRPV